The following is an entry in ClinVar:

ClinVar aggregate classification (germline): Uncertain significance (1 of 4 stars; one submission).

Conditions:
Inborn genetic diseases. Identifiers: MedGen C0950123, MeSH D030342.

Submission:

Ambry Genetics
Classification: Uncertain significance for Inborn genetic diseases. Last evaluated: 2026-06-18. Review status: criteria provided, single submitter. Criteria: Ambry Variant Classification Scheme 2023. Collection method: clinical testing. Allele origin: germline.
Comment: The p.E1494G variant (also known as c.4481A>G), located in coding exon 1 of the SAMD9L gene, results from an A to G substitution at nucleotide position 4481. The glutamic acid at codon 1494 is replaced by glycine, an amino acid with similar properties. This amino acid position is conserved. In addition, this alteration is predicted to be tolerated by in silico analysis. Based on the available evidence, the clinical significance of this variant remains unclear.

NM_152703.5(SAMD9L):c.4481A>G (p.Glu1494Gly)

Gene: SAMD9L (sterile alpha motif domain containing 9 like; minus strand). Cytogenetic location: 7q21.2.
Variant type: single nucleotide variant.
Coding change: c.4481A>G on transcript NM_152703.5 (MANE Select); coding-DNA position 4481, A replaced by G.
Protein change: p.Glu1494Gly; replaces glutamic acid 1494 with glycine.
Molecular consequence: missense variant.
Genome position (GRCh38, 1-based): chr7:93,131,491, T>C on the plus strand (A>G on the coding strand, the complement: SAMD9L is on the minus strand). VCF-style: chr7-93131491-T-C. GRCh37 (hg19) VCF-style: chr7-92760804-T-C.
Other names: c.4481A>G, p.Glu1494Gly (NM_001303496.3, NM_001303497.3, NM_001303498.3 and 5 more transcripts); short protein forms E1494G.
Identifiers: ClinVar variation 5028837 (VCV005028837.1).